The following is an entry in ClinVar:

NM_033056.4(PCDH15):c.5546C>T (p.Thr1849Met)

Gene: PCDH15 (protocadherin related 15; minus strand). Cytogenetic location: 10q21.1.
Variant type: single nucleotide variant.
Coding change: c.5546C>T on transcript NM_033056.4 (MANE Plus Clinical); coding-DNA position 5546, C replaced by T.
Protein change: p.Thr1849Met; replaces threonine 1849 with methionine.
Molecular consequence: missense variant. On other transcripts: intron variant (8).
Genome position (GRCh38, 1-based): chr10:53,822,180, G>A on the plus strand (C>T on the coding strand, the complement: PCDH15 is on the minus strand). VCF-style: chr10-53822180-G-A. GRCh37 (hg19) VCF-style: chr10-55581940-G-A.
Other names: c.5486C>T, p.Thr1829Met (NM_001142768.2); c.5477C>T, p.Thr1826Met (NM_001142773.2); c.5480C>T, p.Thr1827Met (NM_001354404.2); c.4367+5213C>T (NM_001354420.2); c.4368-4167C>T (NM_001354429.2); c.4368-1950C>T (NM_001384140.1); c.4373+2956C>T (NM_001142772.2, NM_001142770.3); c.4388+2956C>T (NM_001142771.2); and 7 more; short protein forms T1780M, T1809M, T1826M, T1827M, T1829M, T1846M, T1849M, T1851M.
Identifiers: ClinVar variation 2662546 (VCV002662546.1), dbSNP rs544096840, ClinGen allele CA207218760.

ClinVar aggregate classification (germline): Uncertain significance (1 of 4 stars; one submission).

Allele frequency attached by ClinVar (database versions not stated): gnomAD 0.00002; gnomAD exomes 0.00001; TOPMed 0.00003; 1000 Genomes Project 30x 0.00016; 1000 Genomes Project 0.00020.
gnomAD v4.1: 22 of 1,613,998 alleles (0.0014%); highest among the groups gnomAD compares: East Asian, 0.011%; no homozygotes.

Submission:

GeneDx
Classification: Uncertain significance. Last evaluated: 2023-04-11. Review status: criteria provided, single submitter. Criteria: GeneDx Variant Classification Process June 2021. Collection method: clinical testing. Allele origin: germline. Affected: yes.
Comment: Not observed at significant frequency in large population cohorts (gnomAD); In silico analysis supports that this missense variant does not alter protein structure/function; Has not been previously published as pathogenic or benign in association with PCDH15-related disorders to our knowledge; This variant is associated with the following publications: (PMID: 32368696)